The following is an entry in ClinVar:

NM_000059.4(BRCA2):c.3362C>T (p.Ser1121Leu)

Gene: BRCA2 (BRCA2 DNA repair associated; plus strand). Cytogenetic location: 13q13.1.
Variant type: single nucleotide variant.
Coding change: c.3362C>T on transcript NM_000059.4 (MANE Select); coding-DNA position 3362, C replaced by T.
Protein change: p.Ser1121Leu; replaces serine 1121 with leucine.
Molecular consequence: missense variant.
Genome position (GRCh38, 1-based): chr13:32,337,717, C>T. VCF-style: chr13-32337717-C-T. GRCh37 (hg19) VCF-style: chr13-32911854-C-T.
Other names: short protein forms S1121L.
Identifiers: ClinVar variation 823666 (VCV000823666.8), dbSNP rs80358579, ClinGen allele CA387776385.

ClinVar aggregate classification (germline): Conflicting classifications of pathogenicity. Review status: criteria provided, conflicting classifications (1 of 4 stars). 3 submissions from 3 submitters: Uncertain significance (2); Likely benign (1). Last evaluated 2025-11-13.

Conditions:
Hereditary cancer-predisposing syndrome. Also called: Neoplastic Syndromes, Hereditary; Tumor predisposition; Hereditary neoplastic syndrome; Hereditary Cancer Syndrome. Identifiers: Orphanet 140162, MedGen C0027672, MeSH D009386, MONDO:0015356.
Hereditary breast ovarian cancer syndrome. Also called: Hereditary breast and ovarian cancer syndrome; Hereditary breast and ovarian cancer; Hereditary breast and ovarian cancer syndrome (HBOC); Breast and ovarian cancer; Hereditary breast and/or ovarian cancer syndrome; BRCA1- and BRCA2-Associated Hereditary Breast and Ovarian Cancer. Identifiers: Orphanet 145, MedGen C0677776, MeSH D061325, MONDO:0003582. Disease mechanism: loss of function.

Submissions (3):

Ambry Genetics
Classification: Uncertain significance for Hereditary cancer-predisposing syndrome. Last evaluated: 2025-11-13. Review status: criteria provided, single submitter. Criteria: Ambry Variant Classification Scheme 2023. Collection method: clinical testing. Allele origin: germline.
Comment: The p.S1121L variant (also known as c.3362C>T), located in coding exon 10 of the BRCA2 gene, results from a C to T substitution at nucleotide position 3362. The serine at codon 1121 is replaced by leucine, an amino acid with dissimilar properties. This amino acid position is not well conserved in available vertebrate species. In addition, the in silico prediction for this alteration is inconclusive. Based on the available evidence, the clinical significance of this variant remains unclear.

Labcorp Genetics (formerly Invitae), Labcorp
Classification: Uncertain significance for Hereditary breast ovarian cancer syndrome. Last evaluated: 2025-09-01. Review status: criteria provided, single submitter. Criteria: Invitae Variant Classification Sherloc (09022015). Collection method: clinical testing. Allele origin: germline.
Comment: This sequence change replaces serine, which is neutral and polar, with leucine, which is neutral and non-polar, at codon 1121 of the BRCA2 protein (p.Ser1121Leu). This variant is not present in population databases (gnomAD no frequency). This variant has not been reported in the literature in individuals affected with BRCA2-related conditions. ClinVar contains an entry for this variant (Variation ID: 823666). Invitae Evidence Modeling of protein sequence and biophysical properties (such as structural, functional, and spatial information, amino acid conservation, physicochemical variation, residue mobility, and thermodynamic stability) indicates that this missense variant is not expected to disrupt BRCA2 protein function with a negative predictive value of 95%. In summary, the available evidence is currently insufficient to determine the role of this variant in disease. Therefore, it has been classified as a Variant of Uncertain Significance.

University of Washington Department of Laboratory Medicine, University of Washington
Classification: Likely benign for Hereditary cancer-predisposing syndrome. Last evaluated: 2023-03-23. Review status: criteria provided, single submitter. Criteria: Dines et al. (Genet Med. 2020). Collection method: curation. Allele origin: germline.
Comment: Missense variant in a coldspot region where missense variants are very unlikely to be pathogenic (PMID:31911673).

BRCA2 exon 11 coldspot. Reclassification based on statistical prior probability.